The following is an entry in ClinVar:

ClinVar aggregate classification (germline): Uncertain significance (1 of 4 stars; one submission).

Conditions:
Progressive sclerosing poliodystrophy (MTDPS4A). Also called: NEURONAL DEGENERATION OF CHILDHOOD WITH LIVER DISEASE, PROGRESSIVE; ALPERS PROGRESSIVE INFANTILE POLIODYSTROPHY; Mitochondrial DNA Depletion Syndrome 4A; Alpers-Huttenlocher Syndrome (AHS); Alpers Syndrome; ALPERS DIFFUSE DEGENERATION OF CEREBRAL GRAY MATTER WITH HEPATIC CIRRHOSIS. Identifiers: Orphanet 726, MedGen C0205710, MONDO:0008758, OMIM 203700.

Submission:

Labcorp Genetics (formerly Invitae), Labcorp
Classification: Uncertain significance for Progressive sclerosing poliodystrophy. Last evaluated: 2019-11-12. Review status: criteria provided, single submitter. Criteria: Invitae Variant Classification Sherloc (09022015). Collection method: clinical testing. Allele origin: germline.
Comment: This variant has not been reported in the literature in individuals with POLG-related conditions. In summary, the available evidence is currently insufficient to determine the role of this variant in disease. Therefore, it has been classified as a Variant of Uncertain Significance. Experimental studies and prediction algorithms are not available or were not evaluated for this variant, and the functional significance of the affected amino acid(s) is currently unknown. This variant is not present in population databases (ExAC no frequency). This variant, c.136_137insGGCAGCAGCAGCAGC, results in the insertion of 5 amino acid(s) to the POLG protein (p.Gln45_Gln46insArgGlnGlnGlnGln), but otherwise preserves the integrity of the reading frame.

NM_002693.3(POLG):c.136_137insGGCAGCAGCAGCAGC (p.Gln45_Gln46insArgGlnGlnGlnGln)

Genes: POLG (DNA polymerase gamma, catalytic subunit; minus strand), POLGARF (POLG alternative reading frame; minus strand). Cytogenetic location: 15q26.1.
Variant type: Microsatellite.
Coding change: c.136_137insGGCAGCAGCAGCAGC on transcript NM_002693.3 (MANE Select); coding-DNA positions 136 to 137, GGCAGCAGCAGCAGC inserted.
Protein change: p.Gln45_Gln46insArgGlnGlnGlnGln.
Molecular consequence: inframe insertion.
Genome position: GRCh38 VCF-style: chr15-89333618-T-TGCTGCTGCTGCTGCC. GRCh37 (hg19) VCF-style: chr15-89876849-T-TGCTGCTGCTGCTGCC.
Other names: c.136_137insGGCAGCAGCAGCAGC, p.Gln45_Gln46insArgGlnGlnGlnGln (NM_001126131.2).
Identifiers: ClinVar variation 947620 (VCV000947620.10), dbSNP rs2055628450.